The following is an entry in ClinVar:

NM_001393530.1(MATN4):c.1426+4G>C

Gene: MATN4 (matrilin 4; minus strand). Cytogenetic location: 20q13.12.
Variant type: single nucleotide variant.
Coding change: c.1426+4G>C on transcript NM_001393530.1 (MANE Select); 4 bases into the intron after coding-DNA position 1426, G replaced by C.
Molecular consequence: intron variant.
Genome position (GRCh38, 1-based): chr20:45,298,166, C>G on the plus strand (G>C on the coding strand, the complement: MATN4 is on the minus strand). VCF-style: chr20-45298166-C-G. GRCh37 (hg19) VCF-style: chr20-43926806-C-G.
Other names: c.1426+4G>C (NM_003833.5, NM_001393531.1); c.1180+4G>C (NM_030592.4); c.1303+4G>C (NM_030590.4).
Identifiers: ClinVar variation 3037464 (VCV003037464.2), dbSNP rs115628315, ClinGen allele CA9875950.

ClinVar aggregate classification (germline): Likely benign (0 of 4 stars; one submission).

Conditions:
MATN4-related disorder. Also called: MATN4-related condition.

Allele frequency attached by ClinVar (database versions not stated): ExAC 0.00066; ESP Exome Variant Server 0.00177; gnomAD 0.00177; TOPMed 0.00220; 1000 Genomes Project 0.00280; 1000 Genomes Project 30x 0.00297.

Submission:

PreventionGenetics, part of Exact Sciences
Classification: Likely benign for MATN4-related condition. Last evaluated: 2019-02-22. Review status: no assertion criteria provided. Collection method: clinical testing. Allele origin: germline.
Comment: This variant is classified as likely benign based on ACMG/AMP sequence variant interpretation guidelines (Richards et al. 2015 PMID: 25741868, with internal and published modifications).